The following is an entry in ClinVar:

NM_005005.3(NDUFB9):c.215G>T (p.Trp72Leu)

Gene: NDUFB9 (NADH:ubiquinone oxidoreductase subunit B9; plus strand). Cytogenetic location: 8q24.13.
Variant type: single nucleotide variant.
Coding change: c.215G>T on transcript NM_005005.3 (MANE Select); coding-DNA position 215, G replaced by T.
Protein change: p.Trp72Leu; replaces tryptophan 72 with leucine.
Molecular consequence: missense variant.
Genome position (GRCh38, 1-based): chr8:124,543,200, G>T. VCF-style: chr8-124543200-G-T. GRCh37 (hg19) VCF-style: chr8-125555441-G-T.
Other names: c.47G>T, p.Trp16Leu (NM_001278645.2); c.86G>T, p.Trp29Leu (NM_001278646.2); c.182G>T, p.Trp61Leu (NM_001311168.2); short protein forms W72L, W61L, W16L, W29L.
Identifiers: ClinVar variation 1488773 (VCV001488773.6), dbSNP rs2131606725, ClinGen allele CA372172826.

ClinVar aggregate classification (germline): Uncertain significance (1 of 4 stars; one submission).

Submission:

Labcorp Genetics (formerly Invitae), Labcorp
Classification: Uncertain significance. Last evaluated: 2021-11-14. Review status: criteria provided, single submitter. Criteria: Invitae Variant Classification Sherloc (09022015). Collection method: clinical testing. Allele origin: germline.
Comment: In summary, the available evidence is currently insufficient to determine the role of this variant in disease. Therefore, it has been classified as a Variant of Uncertain Significance. Algorithms developed to predict the effect of missense changes on protein structure and function are either unavailable or do not agree on the potential impact of this missense change (SIFT: "Deleterious"; PolyPhen-2: "Benign"; Align-GVGD: "Class C0"). This variant has not been reported in the literature in individuals affected with NDUFB9-related conditions. This variant is not present in population databases (gnomAD no frequency). This sequence change replaces tryptophan, which is neutral and slightly polar, with leucine, which is neutral and non-polar, at codon 72 of the NDUFB9 protein (p.Trp72Leu).